The following is an entry in ClinVar:

NM_016617.4(UFM1):c.59+126del

Gene: UFM1 (ubiquitin fold modifier 1; plus strand). Cytogenetic location: 13q13.3.
Variant type: Deletion.
Coding change: c.59+126del on transcript NM_016617.4 (MANE Select); 126 bases into the intron after coding-DNA position 59, one base deleted (G; older notation c.59+126delG).
Molecular consequence: intron variant. On other transcripts: frameshift variant (1).
Genome position (GRCh38, 1-based): chr13:38,350,181, G deleted; the last of 2 consecutive G bases (chr13:38,350,180-38,350,181); deleting either gives the same sequence. VCF-style (leftmost placement, unchanged base first): chr13-38350179-TG-T. GRCh37 (hg19) VCF-style: chr13-38924316-TG-T.
Other names: c.67del, p.Ala23fs (NM_001286704.2); c.59+126del (NM_001286705.2, NM_001286703.2, NM_001286706.2); short protein forms A23fs.
Identifiers: ClinVar variation 3361465 (VCV003361465.1).

ClinVar aggregate classification (germline): Uncertain significance (1 of 4 stars; one submission).

Submission:

GeneDx
Classification: Uncertain significance. Last evaluated: 2023-07-28. Review status: criteria provided, single submitter. Criteria: GeneDx Variant Classification Process June 2021. Collection method: clinical testing. Allele origin: germline. Affected: yes.
Comment: Not observed at significant frequency in large population cohorts (gnomAD); Has not been previously published as pathogenic or benign to our knowledge; Frameshift variant predicted to result in protein truncation or nonsense mediated decay in a gene for which loss of function is not an established mechanism of disease